The following is an entry in ClinVar:

ClinVar aggregate classification (germline): Likely pathogenic. Review status: criteria provided, multiple submitters, no conflicts (2 of 4 stars). 2 submissions from 2 submitters: Likely pathogenic (2). Last evaluated 2024-05-01.

Conditions:
Bardet-Biedl syndrome (BBS). Identifiers: Orphanet 110, MedGen C0752166, MONDO:0015229.
Bardet-Biedl syndrome 1 (BBS1). Identifiers: MedGen C2936862, MONDO:0008854, OMIM 209900. Disease mechanism: loss of function.

Submissions (2):

Fulgent Genetics
Classification: Likely pathogenic for Bardet-Biedl syndrome 1. Last evaluated: 2024-05-01. Review status: criteria provided, single submitter. Criteria: ACMG Guidelines, 2015. Collection method: clinical testing. Allele origin: germline.

Labcorp Genetics (formerly Invitae), Labcorp
Classification: Likely pathogenic for Bardet-Biedl syndrome. Last evaluated: 2019-10-11. Review status: criteria provided, single submitter. Criteria: Invitae Variant Classification Sherloc (09022015). Collection method: clinical testing. Allele origin: germline.
Comment: This variant has not been reported in the literature in individuals with BBS1-related conditions. Donor and acceptor splice site variants typically lead to a loss of protein function (PMID: 16199547), and loss-of-function variants in BBS1 are known to be pathogenic (PMID: 12118255). Algorithms developed to predict the effect of sequence changes on RNA splicing suggest that this variant may disrupt the consensus splice site, but this prediction has not been confirmed by published transcriptional studies. This variant is not present in population databases (ExAC no frequency). This sequence change affects an acceptor splice site in intron 5 of the BBS1 gene. It is expected to disrupt RNA splicing and likely results in an absent or disrupted protein product. In summary, the currently available evidence indicates that the variant is pathogenic, but additional data are needed to prove that conclusively. Therefore, this variant has been classified as Likely Pathogenic.

Literature cited by the submitters: PubMed 16199547 (cited by Labcorp Genetics (formerly Invitae), Labcorp); PubMed 12118255 (cited by Labcorp Genetics (formerly Invitae), Labcorp).

NM_024649.5(BBS1):c.480-2A>C

Gene: BBS1 (Bardet-Biedl syndrome 1; plus strand). Cytogenetic location: 11q13.2.
Variant type: single nucleotide variant.
Coding change: c.480-2A>C on transcript NM_024649.5 (MANE Select); the canonical splice acceptor site of the intron before coding-DNA position 480, A replaced by C.
Molecular consequence: splice acceptor variant.
Genome position (GRCh38, 1-based): chr11:66,515,691, A>C. VCF-style: chr11-66515691-A-C. GRCh37 (hg19) VCF-style: chr11-66283162-A-C.
Identifiers: ClinVar variation 970677 (VCV000970677.9), dbSNP rs1856035426, ClinGen allele CA381457395.